The following is an entry in ClinVar:

NM_012464.5(TLL1):c.2244G>A (p.Thr748=)

Gene: TLL1 (tolloid like 1; plus strand). Cytogenetic location: 4q32.3.
Variant type: single nucleotide variant.
Coding change: c.2244G>A on transcript NM_012464.5 (MANE Select); coding-DNA position 2244, G replaced by A.
Protein change: p.Thr748=; no amino-acid change (threonine 748 retained).
Molecular consequence: synonymous variant.
Genome position (GRCh38, 1-based): chr4:166,074,933, G>A. VCF-style: chr4-166074933-G-A. GRCh37 (hg19) VCF-style: chr4-166996085-G-A.
Identifiers: ClinVar variation 710957 (VCV000710957.6), dbSNP rs115884871, ClinGen allele CA3131156.

ClinVar aggregate classification (germline): Benign/Likely benign. Review status: criteria provided, multiple submitters, no conflicts (2 of 4 stars). 3 submissions from 3 submitters: Benign (1); Likely benign (1). 1 of the submissions does not count toward it. Last evaluated 2024-11-14.

Conditions:
TLL1-related disorder. Also called: TLL1-related condition.

Allele frequency attached by ClinVar (database versions not stated): gnomAD 0.00493 and 0.00534; TOPMed 0.00498; 1000 Genomes Project 30x 0.00453; 1000 Genomes Project 0.00459; ESP Exome Variant Server 0.00484.
gnomAD v4.1: 1,439 of 1,613,608 alleles (0.089%); highest among the groups gnomAD compares: African/African-American, 1.6%; 13 homozygotes.

Submissions (3):

Blueprint Genetics
Classification: Likely benign. Last evaluated: 2024-11-14. Review status: criteria provided, single submitter. Criteria: ACMG Guidelines, 2015. Collection method: clinical testing. Allele origin: germline.

Labcorp Genetics (formerly Invitae), Labcorp
Classification: Benign. Last evaluated: 2018-01-30. Review status: criteria provided, single submitter. Criteria: Invitae Variant Classification Sherloc (09022015). Collection method: clinical testing. Allele origin: germline.

PreventionGenetics, part of Exact Sciences
Classification: Benign for TLL1-related condition. Last evaluated: 2019-04-11. Review status: no assertion criteria provided. Collection method: clinical testing. Allele origin: germline. Not counted in ClinVar's aggregate classification.
Comment: This variant is classified as benign based on ACMG/AMP sequence variant interpretation guidelines (Richards et al. 2015 PMID: 25741868, with internal and published modifications).